The following is an entry in ClinVar:

ClinVar aggregate classification (germline): Uncertain significance. Review status: criteria provided, multiple submitters, no conflicts (2 of 4 stars). 5 submissions from 5 submitters: Uncertain significance (5). Last evaluated 2025-08-25.

Conditions:
CYP7B1-related disorder. Also called: CYP7B1-related condition.
Inborn genetic diseases. Identifiers: MedGen C0950123, MeSH D030342.
Spastic paraplegia. Identifiers: MedGen C0037772, HP:0001258.

Allele frequency attached by ClinVar (database versions not stated): TOPMed below 0.00001; ExAC 0.00001; gnomAD 0.00001; gnomAD exomes 0.00001.
gnomAD v4.1: 5 of 1,613,410 alleles (0.00031%); highest among the groups gnomAD compares: Admixed American, 0.0067%; no homozygotes.

Submissions (5):

Ambry Genetics
Classification: Uncertain significance for Inborn genetic diseases. Last evaluated: 2025-08-25. Review status: criteria provided, single submitter. Criteria: Ambry Variant Classification Scheme 2023. Collection method: clinical testing. Allele origin: germline.

PreventionGenetics, part of Exact Sciences
Classification: Uncertain significance for CYP7B1-related condition. Last evaluated: 2024-12-18. Review status: criteria provided, single submitter. Criteria: ACMG Guidelines, 2015. Collection method: clinical testing. Allele origin: germline.
Comment: The CYP7B1 c.835G>A variant is predicted to result in the amino acid substitution p.Asp279Asn. To our knowledge, this variant has not been reported in the literature. This variant is reported in 0.011% of alleles in individuals of Latino descent in gnomAD. At this time, the clinical significance of this variant is uncertain due to the absence of conclusive functional and genetic evidence.

Labcorp Genetics (formerly Invitae), Labcorp
Classification: Uncertain significance for Spastic paraplegia. Last evaluated: 2021-09-01. Review status: criteria provided, single submitter. Criteria: Invitae Variant Classification Sherloc (09022015). Collection method: clinical testing. Allele origin: germline.
Comment: This sequence change replaces aspartic acid with asparagine at codon 279 of the CYP7B1 protein (p.Asp279Asn). The aspartic acid residue is highly conserved and there is a small physicochemical difference between aspartic acid and asparagine. This variant is present in population databases (rs766759427, ExAC 0.009%). This variant has not been reported in the literature in individuals affected with CYP7B1-related conditions. ClinVar contains an entry for this variant (Variation ID: 196399). Algorithms developed to predict the effect of missense changes on protein structure and function output the following: SIFT: "Deleterious"; PolyPhen-2: "Possibly Damaging"; Align-GVGD: "Class C0". The asparagine amino acid residue is found in multiple mammalian species, which suggests that this missense change does not adversely affect protein function. In summary, the available evidence is currently insufficient to determine the role of this variant in disease. Therefore, it has been classified as a Variant of Uncertain Significance.

Eurofins Ntd Llc (ga)
Classification: Uncertain significance. Last evaluated: 2015-05-22. Review status: criteria provided, single submitter. Criteria: EGL Classification Definitions 2015. Collection method: clinical testing. Allele origin: germline. Observed: 1 variant allele, 1 heterozygote.

Breakthrough Genomics
Classification: Uncertain significance. Review status: criteria provided, single submitter. Criteria: ACMG Guidelines, 2015. Collection method: not provided. Allele origin: germline. Inheritance: Autosomal recessive inheritance. Affected: yes.

NM_004820.5(CYP7B1):c.835G>A (p.Asp279Asn)

Gene: CYP7B1 (cytochrome P450 family 7 subfamily B member 1; minus strand). Cytogenetic location: 8q12.3.
Variant type: single nucleotide variant.
Coding change: c.835G>A on transcript NM_004820.5 (MANE Select); coding-DNA position 835, G replaced by A.
Protein change: p.Asp279Asn; replaces aspartic acid 279 with asparagine.
Molecular consequence: missense variant.
Genome position (GRCh38, 1-based): chr8:64,615,706, C>T on the plus strand (G>A on the coding strand, the complement: CYP7B1 is on the minus strand). VCF-style: chr8-64615706-C-T. GRCh37 (hg19) VCF-style: chr8-65528263-C-T.
Other names: c.835G>A, p.Asp279Asn (NM_001324112.2); c.835G>A (NM_004820.3, NM_004820.4); short protein forms D279N.
Identifiers: ClinVar variation 196399 (VCV000196399.12), dbSNP rs766759427, ClinGen allele CA243338.